The following is an entry in ClinVar:

NM_000053.4(ATP7B):c.1158_1159del (p.Val387fs)

Gene: ATP7B (ATPase copper transporting beta; minus strand). Cytogenetic location: 13q14.3.
Variant type: Deletion.
Coding change: c.1158_1159del on transcript NM_000053.4 (MANE Select); coding-DNA positions 1158 to 1159, 2 bases deleted (GG; older notation c.1158_1159delGG).
Protein change: p.Val387fs; shifts the reading frame from valine 387.
Molecular consequence: frameshift variant.
Genome position (GRCh38, 1-based): chr13:51,974,061-51,974,062, CC deleted on the plus strand (GG on the coding strand, the reverse complement: ATP7B is on the minus strand); deleting any 2 consecutive bases within chr13:51,974,061-51,974,064 gives the same sequence; the c. name uses the placement nearest the transcript's 3' end. VCF-style (leftmost placement, unchanged base first): chr13-51974060-ACC-A. GRCh37 (hg19) VCF-style: chr13-52548196-ACC-A.
Other names: c.1158_1159del, p.Val387fs (NM_001005918.3, NM_001330578.2, NM_001330579.2); c.825_826del, p.Val276fs (NM_001243182.2); short protein forms V276fs, V387fs.
Identifiers: ClinVar variation 663269 (VCV000663269.11), dbSNP rs1593787789, ClinGen allele CA912974780.

ClinVar aggregate classification (germline): Pathogenic/Likely pathogenic. Review status: criteria provided, multiple submitters, no conflicts (2 of 4 stars). 4 submissions from 4 submitters: Pathogenic (3); Likely pathogenic (1). Last evaluated 2025-12-29.

Conditions:
Wilson disease (WND). Also called: Wilson's disease. Identifiers: Orphanet 905, MedGen C0019202, MONDO:0010200, OMIM 277900. Disease mechanism: loss of function.

Submissions (4):

Myriad Genetics, Inc.
Classification: Pathogenic for Wilson disease. Last evaluated: 2025-12-29. Review status: criteria provided, single submitter. Criteria: Myriad Autosomal Dominant, Autosomal Recessive and X-Linked Classification Criteria (2023). Collection method: clinical testing. Allele origin: unknown.
Comment: NM_000053.3(ATP7B):c.1158_1159delGG(V387Afs*17) is expected to be pathogenic in the context of Wilson disease. This variant is predicted to lead to an abnormal or absent protein product due to the creation of a premature termination codon in ATP7B, a gene where loss-of-function variants are known to be pathogenic. Please note: this variant was assessed in the context of healthy population screening.

Revvity Omics, Revvity
Classification: Likely pathogenic for Wilson disease. Last evaluated: 2023-04-19. Review status: criteria provided, single submitter. Criteria: ACMG Guidelines, 2015. Collection method: clinical testing. Allele origin: germline.

Labcorp Genetics (formerly Invitae), Labcorp
Classification: Pathogenic for Wilson disease. Last evaluated: 2023-04-13. Review status: criteria provided, single submitter. Criteria: Invitae Variant Classification Sherloc (09022015). Collection method: clinical testing. Allele origin: germline.
Comment: This variant has not been reported in the literature in individuals affected with ATP7B-related conditions. For these reasons, this variant has been classified as Pathogenic. ClinVar contains an entry for this variant (Variation ID: 663269). This variant is not present in population databases (gnomAD no frequency). This sequence change creates a premature translational stop signal (p.Val387Alafs*17) in the ATP7B gene. It is expected to result in an absent or disrupted protein product. Loss-of-function variants in ATP7B are known to be pathogenic (PMID: 10441329, 16283883).

Genome-Nilou Lab
Classification: Pathogenic for Wilson disease. Last evaluated: 2021-08-10. Review status: criteria provided, single submitter. Criteria: ACMG Guidelines, 2015. Collection method: clinical testing. Allele origin: germline. Affected: no.

Literature cited by the submitters: PubMed 10441329 (cited by Labcorp Genetics (formerly Invitae), Labcorp); PubMed 16283883 (cited by Labcorp Genetics (formerly Invitae), Labcorp).